The following is an entry in ClinVar:

NM_001754.5(RUNX1):c.38A>T (p.Tyr13Phe)

Gene: RUNX1 (RUNX family transcription factor 1; minus strand). Cytogenetic location: 21q22.12.
Variant type: single nucleotide variant.
Coding change: c.38A>T on transcript NM_001754.5 (MANE Select); coding-DNA position 38, A replaced by T.
Protein change: p.Tyr13Phe; replaces tyrosine 13 with phenylalanine.
Molecular consequence: missense variant.
Genome position (GRCh38, 1-based): chr21:35,048,862, T>A on the plus strand (A>T on the coding strand, the complement: RUNX1 is on the minus strand). VCF-style: chr21-35048862-T-A. GRCh37 (hg19) VCF-style: chr21-36421159-T-A.
Other names: NM_001754.5(RUNX1):c.38A>T; p.Tyr13Phe; short protein forms Y13F.
Identifiers: ClinVar variation 947774 (VCV000947774.10), dbSNP rs1601712203, ClinGen allele CA410208234.

ClinVar aggregate classification (germline): Uncertain significance. Review status: reviewed by expert panel (3 of 4 stars). 2 submissions from 2 submitters: Uncertain significance (1). 1 of the submissions does not count toward it. Last evaluated 2025-03-26.

Conditions:
Hereditary thrombocytopenia and hematologic cancer predisposition syndrome. Identifiers: Orphanet 71290, MedGen CN281654, MONDO:0011071.
Hereditary thrombocytopenia and hematological cancer predisposition syndrome associated with RUNX1. Also called: PLATELET DISORDER, ASPIRIN-LIKE; Familial Platelet Disorder with Propensity to Acute Myelogenous Leukemia; Familial thrombocytopenia with propensity to acute myelogenous leukemia; RUNX1 Familial Platelet Disorder with Associated Myeloid Malignancies. Identifiers: Orphanet 71290, MedGen C1832388, MeSH C563324, MONDO:0100083, OMIM 601399.

Submissions (2):

ClinGen Myeloid Malignancy Variant Curation Expert Panel
Classification: Uncertain significance for Hereditary thrombocytopenia and hematologic cancer predisposition syndrome. Last evaluated: 2025-03-26. Review status: reviewed by expert panel. Criteria: ClinGen MyeloMalig ACMG Specifications v2. Collection method: curation. Allele origin: germline. Inheritance: Autosomal dominant inheritance.
Comment: NM_001754.5(RUNX1):c.38A>T (p.Tyr13Phe) is a missense variant which is completely absent from all population databases with at least 20x coverage for RUNX1 (PM2_supporting). This variant has a REVEL score < 0.50, suggesting a permissive effect (BP4). In summary, the clinical significance of this variant is uncertain. ACMG/AMP criteria applied, as specified by the Myeloid Malignancy Variant Curation Expert Panel for RUNX1: PM2_supporting, BP4.

Labcorp Genetics (formerly Invitae), Labcorp
Classification: Uncertain significance for Hereditary thrombocytopenia and hematological cancer predisposition syndrome associated with RUNX1. Last evaluated: 2019-05-21. Review status: criteria provided, single submitter. Criteria: Invitae Variant Classification Sherloc (09022015). Collection method: clinical testing. Allele origin: germline. Not counted in ClinVar's aggregate classification.
Comment: This variant is not present in population databases (ExAC no frequency). This sequence change replaces tyrosine with phenylalanine at codon 13 of the RUNX1 protein (p.Tyr13Phe). The tyrosine residue is weakly conserved and there is a small physicochemical difference between tyrosine and phenylalanine. This variant has not been reported in the literature in individuals with RUNX1-related conditions. In summary, the available evidence is currently insufficient to determine the role of this variant in disease. Therefore, it has been classified as a Variant of Uncertain Significance. Algorithms developed to predict the effect of missense changes on protein structure and function (SIFT, PolyPhen-2, Align-GVGD) all suggest that this variant is likely to be tolerated, but these predictions have not been confirmed by published functional studies and their clinical significance is uncertain.